The following is an entry in ClinVar:

ClinVar aggregate classification (germline): Uncertain significance (1 of 4 stars; one submission).

Allele frequency attached by ClinVar (database versions not stated): gnomAD exomes below 0.00001; TOPMed below 0.00001.
gnomAD v4.1: 1 of 1,614,056 alleles (0.000062%); highest among the groups gnomAD compares: African/African-American, 0.0013%; no homozygotes.

Submission:

Labcorp Genetics (formerly Invitae), Labcorp
Classification: Uncertain significance. Last evaluated: 2022-03-19. Review status: criteria provided, single submitter. Criteria: Invitae Variant Classification Sherloc (09022015). Collection method: clinical testing. Allele origin: germline.
Comment: In summary, the available evidence is currently insufficient to determine the role of this variant in disease. Therefore, it has been classified as a Variant of Uncertain Significance. Algorithms developed to predict the effect of missense changes on protein structure and function are either unavailable or do not agree on the potential impact of this missense change (SIFT: "Deleterious"; PolyPhen-2: "Probably Damaging"; Align-GVGD: "Class C0"). This variant has not been reported in the literature in individuals affected with LAMC3-related conditions. This variant is present in population databases (no rsID available, gnomAD 0.007%). This sequence change replaces glycine, which is neutral and non-polar, with valine, which is neutral and non-polar, at codon 941 of the LAMC3 protein (p.Gly941Val).

NM_006059.4(LAMC3):c.2822G>T (p.Gly941Val)

Gene: LAMC3 (laminin subunit gamma 3; plus strand). Cytogenetic location: 9q34.12.
Variant type: single nucleotide variant.
Coding change: c.2822G>T on transcript NM_006059.4 (MANE Select); coding-DNA position 2822, G replaced by T.
Protein change: p.Gly941Val; replaces glycine 941 with valine.
Molecular consequence: missense variant.
Genome position (GRCh38, 1-based): chr9:131,068,982, G>T. VCF-style: chr9-131068982-G-T. GRCh37 (hg19) VCF-style: chr9-133944369-G-T.
Other names: short protein forms G941V.
Identifiers: ClinVar variation 1365450 (VCV001365450.6), dbSNP rs1292327769, ClinGen allele CA375254846.